The following is an entry in ClinVar:

NM_024422.6(DSC2):c.537C>A (p.Asp179Glu)

Gene: DSC2 (desmocollin 2; minus strand). Cytogenetic location: 18q12.1.
Variant type: single nucleotide variant.
Coding change: c.537C>A on transcript NM_024422.6 (MANE Select); coding-DNA position 537, C replaced by A.
Protein change: p.Asp179Glu; replaces aspartic acid 179 with glutamic acid.
Molecular consequence: missense variant.
Genome position (GRCh38, 1-based): chr18:31,089,532, G>T on the plus strand (C>A on the coding strand, the complement: DSC2 is on the minus strand). VCF-style: chr18-31089532-G-T. GRCh37 (hg19) VCF-style: chr18-28669495-G-T.
Other names: c.537C>A, p.Asp179Glu (NM_004949.5); short protein forms D179E.
Identifiers: ClinVar variation 1392918 (VCV001392918.8), dbSNP rs1987521149, ClinGen allele CA402113640.

ClinVar aggregate classification (germline): Uncertain significance. Review status: criteria provided, multiple submitters, no conflicts (2 of 4 stars). 4 submissions from 4 submitters: Uncertain significance (4). Last evaluated 2025-11-16.

Conditions:
Familial isolated arrhythmogenic right ventricular dysplasia. Identifiers: Orphanet 217656, MedGen C4274968, MONDO:0016342.
Cardiomyopathy (CMYO). Also called: Cardiomyopathies. Identifiers: Orphanet 167848, MedGen C0878544, MONDO:0004994, HP:0001638. Inheritance: Various modes of inheritance.
Arrhythmogenic right ventricular dysplasia 11. Also called: Arrhythmogenic right ventricular dysplasia 11 with mild palmoplantar keratoderma and woolly hair; Arrhythmogenic Right Ventricular Dysplasia/Cardiomyopathy11; ARRHYTHMOGENIC RIGHT VENTRICULAR DYSPLASIA, FAMILIAL, 11. Identifiers: MedGen C1864850, MONDO:0012506, OMIM 610476.

Allele frequency attached by ClinVar (database versions not stated): gnomAD 0.00001.

Submissions (4):

Labcorp Genetics (formerly Invitae), Labcorp
Classification: Uncertain significance for Arrhythmogenic right ventricular dysplasia 11. Last evaluated: 2025-11-16. Review status: criteria provided, single submitter. Criteria: Invitae Variant Classification Sherloc (09022015). Collection method: clinical testing. Allele origin: germline.
Comment: This sequence change replaces aspartic acid, which is acidic and polar, with glutamic acid, which is acidic and polar, at codon 179 of the DSC2 protein (p.Asp179Glu). This variant is not present in population databases (gnomAD no frequency). This variant has not been reported in the literature in individuals affected with DSC2-related conditions. ClinVar contains an entry for this variant (Variation ID: 1392918). Invitae Evidence Modeling of protein sequence and biophysical properties (such as structural, functional, and spatial information, amino acid conservation, physicochemical variation, residue mobility, and thermodynamic stability) indicates that this missense variant is expected to disrupt DSC2 protein function with a positive predictive value of 80%. In summary, the available evidence is currently insufficient to determine the role of this variant in disease. Therefore, it has been classified as a Variant of Uncertain Significance.

All of Us Research Program, National Institutes of Health
Classification: Uncertain significance for Familial isolated arrhythmogenic right ventricular dysplasia. Last evaluated: 2024-08-30. Review status: criteria provided, single submitter. Criteria: ACMG Guidelines, 2015. Collection method: clinical testing. Allele origin: germline. Inheritance: Autosomal dominant inheritance. Observed: 1 variant allele, 1 heterozygote.
Comment: This missense variant replaces aspartic acid with glutamic acid at codon 179 of the DSC2 protein. Computational prediction suggests that this variant may not impact protein structure and function. To our knowledge, functional studies have not been reported for this variant. This variant has not been reported in individuals affected with DSC2-related disorders in the literature. This variant has not been identified in the general population by the Genome Aggregation Database (gnomAD). The available evidence is insufficient to determine the role of this variant in disease conclusively. Therefore, this variant is classified as a Variant of Uncertain Significance.

This study involves interpretation of variants in research participants for the purpose of population health screening. Participant phenotype was not available at the time of variant classification. Additional details can be found in publication PMID: 35346344, PMCID: PMC8962531

Color Diagnostics, LLC DBA Color Health
Classification: Uncertain significance for Cardiomyopathy. Last evaluated: 2024-08-15. Review status: criteria provided, single submitter. Criteria: ACMG Guidelines, 2015. Collection method: clinical testing. Allele origin: germline.
Comment: This missense variant replaces aspartic acid with glutamic acid at codon 179 of the DSC2 protein. Computational prediction suggests that this variant may not impact protein structure and function. To our knowledge, functional studies have not been reported for this variant. This variant has not been reported in individuals affected with DSC2-related disorders in the literature. This variant has not been identified in the general population by the Genome Aggregation Database (gnomAD). The available evidence is insufficient to determine the role of this variant in disease conclusively. Therefore, this variant is classified as a Variant of Uncertain Significance.

Fulgent Genetics
Classification: Uncertain significance for Arrhythmogenic right ventricular dysplasia 11. Last evaluated: 2021-08-30. Review status: criteria provided, single submitter. Criteria: ACMG Guidelines, 2015. Collection method: clinical testing. Allele origin: unknown.